The following is an entry in ClinVar:

ClinVar aggregate classification (germline): Uncertain significance (1 of 4 stars; one submission).

Submission:

CeGaT Center for Human Genetics Tuebingen
Classification: Uncertain significance. Last evaluated: 2026-04-01. Review status: criteria provided, single submitter. Criteria: CeGaT Center For Human Genetics Tuebingen Variant Classification Criteria Version 2. Collection method: clinical testing. Allele origin: germline. Affected: yes. Observed: 2 variant alleles.
Comment: PRPH: PM2, BP4

NM_006262.4(PRPH):c.870+3G>A

Genes: PRPH (peripherin; plus strand), TROAP-AS1 (TROAP and PRPH antisense RNA 1; minus strand), LOC124629354 (Sharpr-MPRA regulatory region 11953; plus strand). Cytogenetic location: 12q13.12.
Variant type: single nucleotide variant.
Coding change: c.870+3G>A on transcript NM_006262.4 (MANE Select); 3 bases into the intron after coding-DNA position 870, G replaced by A.
Molecular consequence: intron variant. On other transcripts: non-coding transcript variant (1).
Genome position (GRCh38, 1-based): chr12:49,297,059, G>A. VCF-style: chr12-49297059-G-A. GRCh37 (hg19) VCF-style: chr12-49690842-G-A.
Identifiers: ClinVar variation 4820721 (VCV004820721.4).